The following is an entry in ClinVar:

NM_002473.6(MYH9):c.5680C>A (p.Arg1894=)

Gene: MYH9 (myosin heavy chain 9; minus strand). Cytogenetic location: 22q12.3.
Variant type: single nucleotide variant.
Coding change: c.5680C>A on transcript NM_002473.6 (MANE Select); coding-DNA position 5680, C replaced by A.
Protein change: p.Arg1894=; no amino-acid change (arginine 1894 retained).
Molecular consequence: synonymous variant.
Genome position (GRCh38, 1-based): chr22:36,284,178, G>T on the plus strand (C>A on the coding strand, the complement: MYH9 is on the minus strand). VCF-style: chr22-36284178-G-T. GRCh37 (hg19) VCF-style: chr22-36680224-G-T.
Identifiers: ClinVar variation 1691246 (VCV001691246.1), dbSNP rs372051836, ClinGen allele CA10208967.

ClinVar aggregate classification (germline): Uncertain significance (0 of 4 stars; one submission).

Conditions:
Macrothrombocytopenia and granulocyte inclusions with or without nephritis or sensorineural hearing loss (MATINS). Also called: SEBASTIAN PLATELET SYNDROME; MACROTHROMBOCYTOPENIA WITH DISPERSED LEUKOCYTIC INCLUSIONS; MACROTHROMBOCYTOPENIA, NEPHRITIS, AND DEAFNESS; MACROTHROMBOCYTOPENIA, NEPHRITIS, DEAFNESS, AND LEUKOCYTE INCLUSIONS; ALPORT SYNDROME WITH MACROTHROMBOCYTOPENIA; Fechtner syndrome. Identifiers: Orphanet 182050, MedGen C5200934, MONDO:0015912, OMIM 155100.

Allele frequency attached by ClinVar (database versions not stated): gnomAD 0.00001; TOPMed 0.00002; ESP Exome Variant Server 0.00008.
gnomAD v4.1: 2 of 1,613,840 alleles (0.00012%); highest among the groups gnomAD compares: Non-Finnish European, 0.00017%; no homozygotes.

Submission:

ISTH-SSC Genomics in Thrombosis and Hemostasis, KU Leuven, Center for Molecular and Vascular Biology
Classification: Uncertain significance for Macrothrombocytopenia and granulocyte inclusions with or without nephritis or sensorineural hearing loss. Review status: no assertion criteria provided. Collection method: clinical testing. Allele origin: germline. Affected: yes.
Comment: Submitted to GoldVariant by Juliana Perez Botero from Versiti Diagnostic Laboratories, USA